The following is an entry in ClinVar:

NM_002016.2(FLG):c.2421T>C (p.His807=)

Genes: CCDST (cervical cancer associated DHX9 suppressive transcript; plus strand), FLG (filaggrin; minus strand). Cytogenetic location: 1q21.3.
Variant type: single nucleotide variant.
Coding change: c.2421T>C on transcript NM_002016.2 (MANE Select); coding-DNA position 2421, T replaced by C.
Protein change: p.His807=; no amino-acid change (histidine 807 retained).
Molecular consequence: synonymous variant.
Genome position (GRCh38, 1-based): chr1:152,312,465, A>G on the plus strand (T>C on the coding strand, the complement: FLG is on the minus strand). VCF-style: chr1-152312465-A-G. GRCh37 (hg19) VCF-style: chr1-152284941-A-G.
Identifiers: ClinVar variation 3031084 (VCV003031084.2), dbSNP rs146590099, ClinGen allele CA1107181.
Genomic context (GRCh38, chr1:152,312,465, plus strand): 5'-GTCTCGTGCCTGCTCATGGTGGGATCCTTGTCTTACTCCAGTGCTGGGCCCTGTCCATCC[A>G]TGGGAGGACTCAGACTGTTTATGAGTGCTCACCTGGTAGAGGAAAGACCCTGAACGTCGA-3'
Protein context (NP_002007.1, residues 797-817): VSTHKQSESS[His807=]GWTGPSTGVR

ClinVar aggregate classification (germline): Likely benign (0 of 4 stars; one submission).

Conditions:
FLG-related disorder. Also called: FLG-related disorders; FLG-related condition.

Allele frequency attached by ClinVar (database versions not stated): ESP Exome Variant Server 0.00008; 1000 Genomes Project 30x 0.00016; 1000 Genomes Project 0.00020.
gnomAD v4.1: 135 of 1,613,358 alleles (0.0084%); highest among the groups gnomAD compares: East Asian, 0.094%; no homozygotes.

Submission:

PreventionGenetics, part of Exact Sciences
Classification: Likely benign for FLG-related condition. Last evaluated: 2021-05-05. Review status: no assertion criteria provided. Collection method: clinical testing. Allele origin: germline.
Comment: This variant is classified as likely benign based on ACMG/AMP sequence variant interpretation guidelines (Richards et al. 2015 PMID: 25741868, with internal and published modifications).